The following is an entry in ClinVar:

ClinVar aggregate classification (germline): Uncertain significance (1 of 4 stars; one submission).

Submission:

Labcorp Genetics (formerly Invitae), Labcorp
Classification: Uncertain significance. Last evaluated: 2025-11-26. Review status: criteria provided, single submitter. Criteria: Invitae Variant Classification Sherloc (09022015). Collection method: clinical testing. Allele origin: germline.
Comment: This sequence change replaces valine, which is neutral and non-polar, with glycine, which is neutral and non-polar, at codon 3124 of the KMT2A protein (p.Val3124Gly). This variant is not present in population databases (gnomAD no frequency). This variant has not been reported in the literature in individuals affected with KMT2A-related conditions. Invitae Evidence Modeling of protein sequence and biophysical properties (such as structural, functional, and spatial information, amino acid conservation, physicochemical variation, residue mobility, and thermodynamic stability) has been performed for this missense variant. However, the output from this modeling did not meet the statistical confidence thresholds required to predict the impact of this variant on KMT2A protein function. In summary, the available evidence is currently insufficient to determine the role of this variant in disease. Therefore, it has been classified as a Variant of Uncertain Significance.

NM_001197104.2(KMT2A):c.9371T>G (p.Val3124Gly)

Gene: KMT2A (lysine methyltransferase 2A; plus strand). Cytogenetic location: 11q23.3.
Variant type: single nucleotide variant.
Coding change: c.9371T>G on transcript NM_001197104.2 (MANE Select); coding-DNA position 9371, T replaced by G.
Protein change: p.Val3124Gly; replaces valine 3124 with glycine.
Molecular consequence: missense variant.
Genome position (GRCh38, 1-based): chr11:118,505,263, T>G. VCF-style: chr11-118505263-T-G. GRCh37 (hg19) VCF-style: chr11-118375978-T-G.
Other names: c.9461T>G, p.Val3154Gly (NM_001412597.1); c.9362T>G, p.Val3121Gly (NM_005933.4); short protein forms V3121G, V3124G, V3154G.
Identifiers: ClinVar variation 4800574 (VCV004800574.1).